The following is an entry in ClinVar:

NM_001492.6(GDF1):c.637C>T (p.Leu213Phe)

Genes: CERS1 (ceramide synthase 1; minus strand), GDF1 (growth differentiation factor 1; minus strand). Cytogenetic location: 19p13.11.
Variant type: single nucleotide variant.
Coding change: c.637C>T on transcript NM_001492.6 (MANE Select); coding-DNA position 637, C replaced by T.
Protein change: p.Leu213Phe; replaces leucine 213 with phenylalanine.
Molecular consequence: missense variant. On other transcripts: 3 prime UTR variant (2).
Genome position (GRCh38, 1-based): chr19:18,869,079, G>A on the plus strand (C>T on the coding strand, the complement: GDF1 is on the minus strand). VCF-style: chr19-18869079-G-A. GRCh37 (hg19) VCF-style: chr19-18979888-G-A.
Other names: c.*1498C>T (NM_001387440.1); c.*906C>T (NM_021267.5); c.637C>T, p.Leu213Phe (NM_001387438.1); short protein forms L213F.
Identifiers: ClinVar variation 2415645 (VCV002415645.6), dbSNP rs1048221173, ClinGen allele CA306231724.

ClinVar aggregate classification (germline): Uncertain significance (1 of 4 stars; one submission).

Allele frequency attached by ClinVar (database versions not stated): TOPMed below 0.00001.
gnomAD v4.1: 2 of 1,060,872 alleles (0.00019%); highest among the groups gnomAD compares: Non-Finnish European, 0.00023%; no homozygotes.

Submission:

Labcorp Genetics (formerly Invitae), Labcorp
Classification: Uncertain significance. Last evaluated: 2022-07-19. Review status: criteria provided, single submitter. Criteria: Invitae Variant Classification Sherloc (09022015). Collection method: clinical testing. Allele origin: germline.
Comment: In summary, the available evidence is currently insufficient to determine the role of this variant in disease. Therefore, it has been classified as a Variant of Uncertain Significance. Algorithms developed to predict the effect of missense changes on protein structure and function are either unavailable or do not agree on the potential impact of this missense change (SIFT: "Tolerated"; PolyPhen-2: "Possibly Damaging"; Align-GVGD: "Class C0"). This variant has not been reported in the literature in individuals affected with GDF1-related conditions. This variant is not present in population databases (gnomAD no frequency). This sequence change replaces leucine, which is neutral and non-polar, with phenylalanine, which is neutral and non-polar, at codon 213 of the GDF1 protein (p.Leu213Phe).